The following is an entry in ClinVar:

NM_005045.4(RELN):c.3527T>G (p.Phe1176Cys)

Gene: RELN (reelin; minus strand). Cytogenetic location: 7q22.1.
Variant type: single nucleotide variant.
Coding change: c.3527T>G on transcript NM_005045.4 (MANE Select); coding-DNA position 3527, T replaced by G.
Protein change: p.Phe1176Cys; replaces phenylalanine 1176 with cysteine.
Molecular consequence: missense variant.
Genome position (GRCh38, 1-based): chr7:103,596,468, A>C on the plus strand (T>G on the coding strand, the complement: RELN is on the minus strand). VCF-style: chr7-103596468-A-C. GRCh37 (hg19) VCF-style: chr7-103236915-A-C.
Other names: c.3527T>G, p.Phe1176Cys (NM_173054.3); short protein forms F1176C.
Identifiers: ClinVar variation 838187 (VCV000838187.12), dbSNP rs755937551, ClinGen allele CA4421751.

ClinVar aggregate classification (germline): Uncertain significance. Review status: criteria provided, multiple submitters, no conflicts (2 of 4 stars). 2 submissions from 2 submitters: Uncertain significance (2). Last evaluated 2025-05-19.

Conditions:
Inborn genetic diseases. Identifiers: MedGen C0950123, MeSH D030342.
Norman-Roberts syndrome (LIS2). Also called: Lissencephaly 2 (Norman-Roberts type). Identifiers: Orphanet 89844, MedGen C0796089, MONDO:0009760, OMIM 257320.
Familial temporal lobe epilepsy 7. Identifiers: Orphanet 101046, MedGen C4225327, MONDO:0014639, OMIM 616436.

Allele frequency attached by ClinVar (database versions not stated): gnomAD exomes below 0.00001 and 0.00001; ExAC 0.00002.
gnomAD v4.1: 2 of 1,613,714 alleles (0.00012%); highest among the groups gnomAD compares: Admixed American, 0.0033%; no homozygotes.

Submissions (2):

Ambry Genetics
Classification: Uncertain significance for Inborn genetic diseases. Last evaluated: 2025-05-19. Review status: criteria provided, single submitter. Criteria: Ambry Variant Classification Scheme 2023. Collection method: clinical testing. Allele origin: germline.

Labcorp Genetics (formerly Invitae), Labcorp
Classification: Uncertain significance for Familial temporal lobe epilepsy 7; Norman-Roberts syndrome. Last evaluated: 2022-09-01. Review status: criteria provided, single submitter. Criteria: Invitae Variant Classification Sherloc (09022015). Collection method: clinical testing. Allele origin: germline.
Comment: In summary, the available evidence is currently insufficient to determine the role of this variant in disease. Therefore, it has been classified as a Variant of Uncertain Significance. Algorithms developed to predict the effect of missense changes on protein structure and function are either unavailable or do not agree on the potential impact of this missense change (SIFT: "Deleterious"; PolyPhen-2: "Probably Damaging"; Align-GVGD: "Class C0"). ClinVar contains an entry for this variant (Variation ID: 838187). This variant has not been reported in the literature in individuals affected with RELN-related conditions. This variant is present in population databases (rs755937551, gnomAD 0.006%). This sequence change replaces phenylalanine, which is neutral and non-polar, with cysteine, which is neutral and slightly polar, at codon 1176 of the RELN protein (p.Phe1176Cys).